The following is an entry in ClinVar:

NM_004706.4(ARHGEF1):c.1602_1603delinsAA (p.Pro534_Arg535=)

Gene: ARHGEF1 (Rho guanine nucleotide exchange factor 1; plus strand). Cytogenetic location: 19q13.2.
Variant type: Indel.
Coding change: c.1602_1603delinsAA on transcript NM_004706.4 (MANE Select); coding-DNA positions 1602 to 1603, TC replaced by AA.
Protein change: p.Pro534_Arg535=.
Molecular consequence: synonymous variant. On other transcripts: non-coding transcript variant (2).
Genome position (GRCh38, 1-based): chr19:41,902,637-41,902,638, TC replaced by AA. VCF-style: chr19-41902637-TC-AA. GRCh37 (hg19) VCF-style: chr19-42406787-TC-AA.
Other names: c.1770_1771delinsAA, p.Pro590_Arg591= (NM_001396000.1); c.1503_1504delinsAA, p.Pro501_Arg502= (NM_001396002.1, NM_001396004.1, NM_198977.2); c.1602_1603delinsAA, p.Pro534_Arg535= (NM_001396003.1, NM_001396006.1); c.1647_1648delinsAA, p.Pro549_Arg550= (NM_199002.2).
Identifiers: ClinVar variation 2775559 (VCV002775559.3), dbSNP rs2513888222, ClinGen allele CA2739276846.

ClinVar aggregate classification (germline): Uncertain significance (1 of 4 stars; one submission).

Submission:

Labcorp Genetics (formerly Invitae), Labcorp
Classification: Uncertain significance. Last evaluated: 2023-10-05. Review status: criteria provided, single submitter. Criteria: Invitae Variant Classification Sherloc (09022015). Collection method: clinical testing. Allele origin: germline.
Comment: This sequence change affects codon 549 of the ARHGEF1 mRNA. It is a 'silent' change, meaning that it does not change the encoded amino acid sequence of the ARHGEF1 protein. Information on the frequency of this variant in the gnomAD database is not available, as this variant may be reported differently in the database. This variant has not been reported in the literature in individuals affected with ARHGEF1-related conditions. Experimental studies and prediction algorithms are not available or were not evaluated, and the effect of this variant on mRNA splicing is currently unknown. In summary, the available evidence is currently insufficient to determine the role of this variant in disease. Therefore, it has been classified as a Variant of Uncertain Significance.